The following is an entry in ClinVar:

ClinVar aggregate classification (germline): Benign. Review status: criteria provided, multiple submitters, no conflicts (2 of 4 stars). 3 submissions from 3 submitters: Benign (3). Last evaluated 2026-01-24.

Conditions:
Exostoses, multiple, type 2 (EXT2). Also called: Hereditary Multiple Osteochondromatosis, Type II; EXOSTOSES, MULTIPLE, TYPE II. Identifiers: Orphanet 321, MedGen C1851413, MONDO:0007586, OMIM 133701.

Allele frequency attached by ClinVar (database versions not stated): ESP Exome Variant Server 0.00023; gnomAD exomes 0.00064 and 0.00184; gnomAD 0.00088 and 0.00093; TOPMed 0.00108; ExAC 0.00148; 1000 Genomes Project 0.00260; 1000 Genomes Project 30x 0.00297.
gnomAD v4.1: 1,141 of 1,614,058 alleles (0.071%); highest among the groups gnomAD compares: East Asian, 1.6%; 10 homozygotes.

Submissions (3):

Labcorp Genetics (formerly Invitae), Labcorp
Classification: Benign for Exostoses, multiple, type 2. Last evaluated: 2026-01-24. Review status: criteria provided, single submitter. Criteria: Invitae Variant Classification Sherloc (09022015). Collection method: clinical testing. Allele origin: germline.

KCCC/NGS Laboratory, Kuwait Cancer Control Center
Classification: Benign for Exostoses, multiple, type 2. Last evaluated: 2025-02-01. Review status: criteria provided, single submitter. Criteria: ACMG Guidelines, 2015. Collection method: clinical testing. Allele origin: germline. Affected: no.

Illumina Laboratory Services, Illumina
Classification: Benign for Exostoses, multiple, type 2. Last evaluated: 2018-01-13. Review status: criteria provided, single submitter. Criteria: ICSL Variant Classification Criteria 13 December 2019. Collection method: clinical testing. Allele origin: germline.
Comment: This variant was observed in the ICSL laboratory as part of a predisposition screen in an ostensibly healthy population. It had not been previously curated by ICSL or reported in the Human Gene Mutation Database (HGMD: prior to June 1st, 2018), and was therefore a candidate for classification through an automated scoring system. Utilizing variant allele frequency, disease prevalence and penetrance estimates, and inheritance mode, an automated score was calculated to assess if this variant is too frequent to cause the disease. Based on the score and internal cut-off values, a variant classified as benign is not then subjected to further curation. The score for this variant resulted in a classification of benign for this disease.

NM_207122.2(EXT2):c.1641C>T (p.Asp547=)

Gene: EXT2 (exostosin glycosyltransferase 2; plus strand). Cytogenetic location: 11p11.2.
Variant type: single nucleotide variant.
Coding change: c.1641C>T on transcript NM_207122.2 (MANE Select); coding-DNA position 1641, C replaced by T.
Protein change: p.Asp547=; no amino-acid change (aspartic acid 547 retained).
Molecular consequence: synonymous variant.
Genome position (GRCh38, 1-based): chr11:44,206,938, C>T. VCF-style: chr11-44206938-C-T. GRCh37 (hg19) VCF-style: chr11-44228488-C-T.
Other names: c.1740C>T, p.Asp580= (NM_000401.3); c.1671C>T, p.Asp557= (NM_001178083.3); c.1641C>T, p.Asp547= (NM_001389628.1, NM_001389630.1).
Identifiers: ClinVar variation 304590 (VCV000304590.16), dbSNP rs75987184, ClinGen allele CA5955306.